The following is an entry in ClinVar:

NM_006796.3(AFG3L2):c.2394G>C (p.Ter798Tyr)

Genes: AFG3L2 (AFG3 like matrix AAA peptidase subunit 2; minus strand), TUBB6 (tubulin beta 6 class V; plus strand). Cytogenetic location: 18p11.21.
Variant type: single nucleotide variant.
Coding change: c.2394G>C on transcript NM_006796.3 (MANE Select); coding-DNA position 2394, G replaced by C.
Protein change: p.Ter798Tyr.
Molecular consequence: stop lost. On other transcripts: 3 prime UTR variant (1).
Genome position (GRCh38, 1-based): chr18:12,329,565, C>G on the plus strand (G>C on the coding strand, the complement: AFG3L2 is on the minus strand). VCF-style: chr18-12329565-C-G. GRCh37 (hg19) VCF-style: chr18-12329564-C-G.
Other names: c.*382C>G (NM_001303525.2).
Identifiers: ClinVar variation 2627484 (VCV002627484.4), dbSNP rs772687780, ClinGen allele CA8896210.

ClinVar aggregate classification (germline): Uncertain significance. Review status: criteria provided, multiple submitters, no conflicts (2 of 4 stars). 3 submissions from 3 submitters: Uncertain significance (3). Last evaluated 2024-10-10.

Conditions:
Spastic ataxia 5. Also called: Spastic Ataxia Type 5 (SPAX5). Identifiers: Orphanet 313772, MedGen C3280977, MONDO:0013776, OMIM 614487.

Allele frequency attached by ClinVar (database versions not stated): gnomAD exomes 0.00003; gnomAD 0.00004; ExAC 0.00009; 1000 Genomes Project 30x 0.00031.
gnomAD v4.1: 50 of 1,613,806 alleles (0.0031%); highest among the groups gnomAD compares: South Asian, 0.052%; no homozygotes.

Submissions (3):

Blueprint Genetics
Classification: Uncertain significance. Last evaluated: 2024-10-10. Review status: criteria provided, single submitter. Criteria: ACMG Guidelines, 2015. Collection method: clinical testing. Allele origin: germline.

Revvity Omics, Revvity
Classification: Uncertain significance. Last evaluated: 2023-06-05. Review status: criteria provided, single submitter. Criteria: ACMG Guidelines, 2015. Collection method: clinical testing. Allele origin: germline.

Neuberg Centre For Genomic Medicine, NCGM
Classification: Uncertain significance for Spastic ataxia 5. Review status: criteria provided, single submitter. Criteria: ACMG Guidelines, 2015. Collection method: clinical testing. Allele origin: germline. Inheritance: Autosomal recessive inheritance. Affected: yes.
Comment: The stop lost p.*798Yext*32 in AFG3L2 (NM_006796.3) has not been reported previously as a pathogenic variant nor as a benign variant, to our knowledge. The p.*798Yext*32 variant is observed in 26/30,616 (0.0849%) alleles from individuals of South Asian background in gnomAD Exomes. The nucleotide c.2394 in AFG3L2 is predicted conserved by GERP++ and PhyloP across 100 vertebrates. For these reasons, this variant has been classified as Uncertain Significance.